The following is an entry in ClinVar:

ClinVar aggregate classification (germline): Uncertain significance (1 of 4 stars; one submission).

Submission:

ARUP Laboratories, Molecular Genetics and Genomics, ARUP Laboratories
Classification: Uncertain significance. Last evaluated: 2019-06-18. Review status: criteria provided, single submitter. Criteria: ARUP Molecular Germline Variant Investigation Process. Collection method: clinical testing. Allele origin: germline.
Comment: The INSR c.728G>A; p.Cys243Tyr variant (rs911809758), to our knowledge, is not reported in the medical literature or gene-specific databases. This variant is also absent from general population databases (Exome Variant Server, Genome Aggregation Database), indicating it is not a common polymorphism. The cysteine at codon 243 is highly conserved, and computational analyses (SIFT, PolyPhen-2) predict that this variant is deleterious. However, due to limited information, the clinical significance of the p.Cys243Tyr variant is uncertain at this time.

NM_000208.4(INSR):c.728G>A (p.Cys243Tyr)

Gene: INSR (insulin receptor; minus strand). Cytogenetic location: 19p13.2.
Variant type: single nucleotide variant.
Coding change: c.728G>A on transcript NM_000208.4 (MANE Select); coding-DNA position 728, G replaced by A.
Protein change: p.Cys243Tyr; replaces cysteine 243 with tyrosine.
Molecular consequence: missense variant.
Genome position (GRCh38, 1-based): chr19:7,184,562, C>T on the plus strand (G>A on the coding strand, the complement: INSR is on the minus strand). VCF-style: chr19-7184562-C-T. GRCh37 (hg19) VCF-style: chr19-7184573-C-T.
Other names: c.728G>A, p.Cys243Tyr (NM_001079817.3); short protein forms C243Y.
Identifiers: ClinVar variation 811480 (VCV000811480.8), dbSNP rs911809758, ClinGen allele CA304866660.
Genomic context (GRCh38, chr19:7,184,562, plus strand): 5'-CTGCCGTCCAGGTAGAAGTTGCGGCAGGCCACGCACTTGGTGGGGTCGTCGGGCTGAGAA[C>T]AGTTGCCCAGGCACTCGCTGTGGCAACAGAGGCCTTCGGCGGTGCAGCCGTGTGACTTAC-3'
Protein context (NP_000199.2, residues 233-253): LCCHSECLGN[Cys243Tyr]SQPDDPTKCV